The following is an entry in ClinVar:

NM_015909.4(NBAS):c.6277C>T (p.Arg2093Trp)

Gene: NBAS (NBAS subunit of NRZ tethering complex; minus strand). Cytogenetic location: 2p24.3.
Variant type: single nucleotide variant.
Coding change: c.6277C>T on transcript NM_015909.4 (MANE Select); coding-DNA position 6277, C replaced by T.
Protein change: p.Arg2093Trp; replaces arginine 2093 with tryptophan.
Molecular consequence: missense variant.
Genome position (GRCh38, 1-based): chr2:15,218,928, G>A on the plus strand (C>T on the coding strand, the complement: NBAS is on the minus strand). VCF-style: chr2-15218928-G-A. GRCh37 (hg19) VCF-style: chr2-15359052-G-A.
Other names: short protein forms R2093W.
Identifiers: ClinVar variation 2174257 (VCV002174257.1), dbSNP rs200331420, ClinGen allele CA1535060.

ClinVar aggregate classification (germline): Uncertain significance (1 of 4 stars; one submission).

Allele frequency attached by ClinVar (database versions not stated): gnomAD 0.00001; gnomAD exomes 0.00001; TOPMed 0.00001.
gnomAD v4.1: 12 of 1,612,416 alleles (0.00074%); highest among the groups gnomAD compares: South Asian, 0.0055%; no homozygotes.

Submission:

Labcorp Genetics (formerly Invitae), Labcorp
Classification: Uncertain significance. Last evaluated: 2022-03-12. Review status: criteria provided, single submitter. Criteria: Invitae Variant Classification Sherloc (09022015). Collection method: clinical testing. Allele origin: germline.
Comment: This sequence change replaces arginine, which is basic and polar, with tryptophan, which is neutral and slightly polar, at codon 2093 of the NBAS protein (p.Arg2093Trp). This variant is present in population databases (rs200331420, gnomAD 0.006%). This variant has not been reported in the literature in individuals affected with NBAS-related conditions. Algorithms developed to predict the effect of missense changes on protein structure and function (SIFT, PolyPhen-2, Align-GVGD) all suggest that this variant is likely to be disruptive. In summary, the available evidence is currently insufficient to determine the role of this variant in disease. Therefore, it has been classified as a Variant of Uncertain Significance.